The following is an entry in ClinVar:

NM_001329630.2(PLEKHA7):c.129G>A (p.Gly43=)

Gene: PLEKHA7 (pleckstrin homology domain containing A7; minus strand). Cytogenetic location: 11p15.1.
Variant type: single nucleotide variant.
Coding change: c.129G>A on transcript NM_001329630.2 (MANE Select); coding-DNA position 129, G replaced by A.
Protein change: p.Gly43=; no amino-acid change (glycine 43 retained).
Molecular consequence: synonymous variant.
Genome position (GRCh38, 1-based): chr11:17,014,159, C>T on the plus strand (G>A on the coding strand, the complement: PLEKHA7 is on the minus strand). VCF-style: chr11-17014159-C-T. GRCh37 (hg19) VCF-style: chr11-17035706-C-T.
Other names: c.129G>A, p.Gly43= (NM_001329631.2, NM_175058.5).
Identifiers: ClinVar variation 784187 (VCV000784187.6), dbSNP rs192507839, ClinGen allele CA5899932.
Genomic context (GRCh38, chr11:17,014,159, plus strand): 5'-CCCCCACCCGCCGGCCCGGCGCCCACCTGAGCGGATCATGTGGCCCGAGTTGACGGGCTC[C>T]CCGGTGCGCGGATGCAGCCAGGTCGTGCAGCGGAGCTGGTCACTGCGGGCAGAGAGGTGC-3'
Protein context (NP_001316559.1, residues 33-53): RCTTWLHPRT[Gly43=]EPVNSGHMIR

ClinVar aggregate classification (germline): Benign. Review status: criteria provided, multiple submitters, no conflicts (2 of 4 stars). 3 submissions from 3 submitters: Benign (2). 1 of the submissions does not count toward it. Last evaluated 2017-07-10.

Conditions:
PLEKHA7-related disorder. Also called: PLEKHA7-related condition.

Allele frequency attached by ClinVar (database versions not stated): ESP Exome Variant Server 0.00450; gnomAD 0.00587 and 0.00553; TOPMed 0.00618; 1000 Genomes Project 0.00799; 1000 Genomes Project 30x 0.00953; gnomAD exomes 0.00138; ExAC 0.00195.
gnomAD v4.1: 1,630 of 1,602,140 alleles (0.1%); highest among the groups gnomAD compares: African/African-American, 1.9%; 15 homozygotes.

Submissions (3):

Labcorp Genetics (formerly Invitae), Labcorp
Classification: Benign. Last evaluated: 2017-07-10. Review status: criteria provided, single submitter. Criteria: Invitae Variant Classification Sherloc (09022015). Collection method: clinical testing. Allele origin: germline.

Breakthrough Genomics
Classification: Benign. Review status: criteria provided, single submitter. Criteria: ACMG Guidelines, 2015. Collection method: not provided. Allele origin: germline. Inheritance: Unknown mechanism. Affected: yes.

PreventionGenetics, part of Exact Sciences
Classification: Benign for PLEKHA7-related condition. Last evaluated: 2019-02-18. Review status: no assertion criteria provided. Collection method: clinical testing. Allele origin: germline. Not counted in ClinVar's aggregate classification.
Comment: This variant is classified as benign based on ACMG/AMP sequence variant interpretation guidelines (Richards et al. 2015 PMID: 25741868, with internal and published modifications).